The following is an entry in ClinVar:

NM_000016.6(ACADM):c.526G>A (p.Ala176Thr)

Gene: ACADM (acyl-CoA dehydrogenase medium chain; plus strand). Cytogenetic location: 1p31.1.
Variant type: single nucleotide variant.
Coding change: c.526G>A on transcript NM_000016.6 (MANE Select); coding-DNA position 526, G replaced by A.
Protein change: p.Ala176Thr; replaces alanine 176 with threonine.
Molecular consequence: missense variant. On other transcripts: 5 prime UTR variant (1).
Genome position (GRCh38, 1-based): chr1:75,740,037, G>A. VCF-style: chr1-75740037-G-A. GRCh37 (hg19) VCF-style: chr1-76205722-G-A.
Other names: c.538G>A, p.Ala180Thr (NM_001127328.3); c.418G>A, p.Ala140Thr (NM_001286042.2); c.625G>A, p.Ala209Thr (NM_001286043.2); c.-42G>A (NM_001286044.2); short protein forms A176T, A180T, A209T, A140T.
Identifiers: ClinVar variation 495343 (VCV000495343.22), dbSNP rs200754053, ClinGen allele CA340815101.

ClinVar aggregate classification (germline): Conflicting classifications of pathogenicity. Review status: criteria provided, conflicting classifications (1 of 4 stars). 6 submissions from 6 submitters: Pathogenic (1); Likely pathogenic (4); Uncertain significance (1). Last evaluated 2025-11-30.

Conditions:
Medium-chain acyl-coenzyme A dehydrogenase deficiency (ACADMD). Also called: MCAD Deficiency; ACADM DEFICIENCY; CARNITINE DEFICIENCY SECONDARY TO MEDIUM-CHAIN ACYL-CoA DEHYDROGENASE DEFICIENCY; MCADH DEFICIENCY; MCADD; Medium chain acyl-CoA dehydrogenase deficiency. Identifiers: Orphanet 42, MedGen C0220710, MONDO:0008721, OMIM 201450.

Allele frequency attached by ClinVar (database versions not stated): TOPMed 0.00002.
gnomAD v4.1: 9 of 1,612,774 alleles (0.00056%); highest among the groups gnomAD compares: African/African-American, 0.011%; no homozygotes.

Submissions (6):

Labcorp Genetics (formerly Invitae), Labcorp
Classification: Pathogenic for Medium-chain acyl-coenzyme A dehydrogenase deficiency. Last evaluated: 2025-11-30. Review status: criteria provided, single submitter. Criteria: Invitae Variant Classification Sherloc (09022015). Collection method: clinical testing. Allele origin: germline.
Comment: This sequence change replaces alanine, which is neutral and non-polar, with threonine, which is neutral and polar, at codon 176 of the ACADM protein (p.Ala176Thr). This variant is present in population databases (no rsID available, gnomAD 0.008%). This missense change has been observed in individual(s) with ACADM-related conditions and/or medium-chain acyl-coenzyme A dehydrogenase deficiency (PMID: 18241067, 20036593, 20434380; internal data). ClinVar contains an entry for this variant (Variation ID: 495343). Invitae Evidence Modeling of protein sequence and biophysical properties (such as structural, functional, and spatial information, amino acid conservation, physicochemical variation, residue mobility, and thermodynamic stability) indicates that this missense variant is expected to disrupt ACADM protein function with a positive predictive value of 80%. This variant disrupts the p.Ala176 amino acid residue in ACADM. Other variant(s) that disrupt this residue have been determined to be pathogenic (internal data). This suggests that this residue is clinically significant, and that variants that disrupt this residue are likely to be disease-causing. For these reasons, this variant has been classified as Pathogenic.

Women's Health and Genetics/Laboratory Corporation of America, LabCorp
Classification: Likely pathogenic for Medium-chain acyl-coenzyme A dehydrogenase deficiency. Last evaluated: 2025-06-11. Review status: criteria provided, single submitter. Criteria: LabCorp Variant Classification Summary - May 2015. Collection method: clinical testing. Allele origin: germline.
Comment: Variant summary: ACADM c.526G>A (p.Ala176Thr) results in a non-conservative amino acid change in the encoded protein sequence. Algorithms developed to predict the effect of missense changes on protein structure and function all suggest that this variant is likely to be disruptive. The variant allele was found at a frequency of 8e-06 in 251382 control chromosomes. c.526G>A has been observed in individuals affected with Medium Chain Acyl-CoA Dehydrogenase Deficiency (e.g. Nichols_2008, Smith_2010, Arnold_2010, Internal data). These data indicate that the variant is likely to be associated with disease. To our knowledge, no experimental evidence demonstrating an impact on protein function has been reported. The following publications have been ascertained in the context of this evaluation (PMID: 18241067, 20434380, 20036593). ClinVar contains an entry for this variant (Variation ID: 495343). Based on the evidence outlined above, the variant was classified as likely pathogenic.

GeneDx
Classification: Uncertain significance. Last evaluated: 2025-05-19. Review status: criteria provided, single submitter. Criteria: GeneDx Variant Classification Process June 2021. Collection method: clinical testing. Allele origin: germline. Affected: yes.
Comment: Described as a variant of uncertain significance and observed in the presence of a pathogenic variant in an individual with plasma and/or urine metabolites and biochemical studies similar to that of MCAD carriers (PMID: 20434380); Reported in individuals with a positive newborn screen for MCAD deficiency in whom a second variant was not described (PMID: 18241067, 20036593); Not observed at significant frequency in large population cohorts (gnomAD); In silico analysis supports that this missense variant has a deleterious effect on protein structure/function; Also known as p.(A151T); This variant is associated with the following publications: (PMID: 20036593, 27477829, 18241067, 20434380)

Fulgent Genetics
Classification: Likely pathogenic for Medium-chain acyl-coenzyme A dehydrogenase deficiency. Last evaluated: 2024-06-12. Review status: criteria provided, single submitter. Criteria: ACMG Guidelines, 2015. Collection method: clinical testing. Allele origin: germline.

Baylor Genetics
Classification: Likely pathogenic for Medium-chain acyl-coenzyme A dehydrogenase deficiency. Last evaluated: 2024-02-21. Review status: criteria provided, single submitter. Criteria: ACMG Guidelines, 2015. Collection method: clinical testing. Allele origin: unknown.

ARUP Laboratories, Molecular Genetics and Genomics, ARUP Laboratories
Classification: Likely pathogenic for Medium-chain acyl-coenzyme A dehydrogenase deficiency. Last evaluated: 2018-11-15. Review status: criteria provided, single submitter. Criteria: ARUP Molecular Germline Variant Investigation Process. Collection method: clinical testing. Allele origin: germline.
Comment: The ACADM c.526G>A; p.Ala176Thr variant, also known as Ala151Thr, has been described in the compound heterozygous state in individuals affected with medium-chain acyl-CoA dehydrogenase (MCAD) deficiency, presenting with elevated octanoylcarnitine (C8) levels (Arnold 2010, Nichols 2008, Smith 2010). It contains an entry in ClinVar (Variation ID: 495343), and is present on only 3 alleles in the Genome Aggregation Databases, indicating it is not a common polymorphism. The alanine at codon 176 is highly conserved, and computational algorithms (PolyPhen-2, SIFT) predict that this variant is deleterious. Based on available information, this variant is considered likely pathogenic. REFERENCES Arnold G et al. Lack of genotype-phenotype correlations and outcome in MCAD deficiency diagnosed by newborn screening in New York State. Mol Genet Metab. 2010 Mar;99(3):263-8. Nichols M et al. Novel mutations causing medium chain acyl-CoA dehydrogenase deficiency: under-representation of the common c.985 A > G mutation in the New York state population. Am J Med Genet A. 2008 Mar 1;146A(5):610-9. Smith E et al. Allelic diversity in MCAD deficiency: the biochemical classification of 54 variants identified during 5 years of ACADM sequencing. Mol Genet Metab. 2010 Jul;100(3):241-50.

Literature cited by the submitters: PubMed 18241067 (cited by Labcorp Genetics (formerly Invitae), Labcorp and Women's Health and Genetics/Laboratory Corporation of America, LabCorp); PubMed 20036593 (cited by Labcorp Genetics (formerly Invitae), Labcorp and Women's Health and Genetics/Laboratory Corporation of America, LabCorp); PubMed 20434380 (cited by Labcorp Genetics (formerly Invitae), Labcorp and Women's Health and Genetics/Laboratory Corporation of America, LabCorp).